The following is an entry in ClinVar:

ClinVar aggregate classification (germline): Likely benign (1 of 4 stars; one submission).

Allele frequency attached by ClinVar (database versions not stated): gnomAD 0.01279 and 0.01687; TOPMed 0.01298; 1000 Genomes Project 30x 0.03154; 1000 Genomes Project 0.03415.
gnomAD v4.1: 2,547 of 152,196 alleles (1.7%); highest among the groups gnomAD compares: South Asian, 14%; 57 homozygotes.

Submission:

GeneDx
Classification: Likely benign. Last evaluated: 2018-06-16. Review status: criteria provided, single submitter. Criteria: GeneDx Variant Classification (06012015). Collection method: clinical testing. Allele origin: germline. Affected: yes.
Comment: This variant is considered likely benign or benign based on one or more of the following criteria: it is a conservative change, it occurs at a poorly conserved position in the protein, it is predicted to be benign by multiple in silico algorithms, and/or has population frequency not consistent with disease.

NM_000642.3(AGL):c.3363-343G>A

Gene: AGL (amylo-alpha-1,6-glucosidase and 4-alpha-glucanotransferase; plus strand). Cytogenetic location: 1p21.2.
Variant type: single nucleotide variant.
Coding change: c.3363-343G>A on transcript NM_000642.3 (MANE Select); 343 bases into the intron before coding-DNA position 3363, G replaced by A.
Molecular consequence: intron variant.
Genome position (GRCh38, 1-based): chr1:99,900,293, G>A. VCF-style: chr1-99900293-G-A. GRCh37 (hg19) VCF-style: chr1-100365849-G-A.
Other names: c.3363-343G>A (NM_000643.3, NM_000644.3, NM_001425325.1 and 1 more transcripts); c.3315-343G>A (NM_000646.3); c.3342-343G>A (NM_001425326.1); c.3162-343G>A (NM_001425327.1); c.3159-343G>A (NM_001425328.1); c.3024-343G>A (NM_001425329.1); c.2985-343G>A (NM_001425332.1).
Identifiers: ClinVar variation 673842 (VCV000673842.1), dbSNP rs12734255, ClinGen allele CA27538761.
Genomic context (GRCh38, chr1:99,900,293, plus strand): 5'-TTGTTTTCCTATATGTTTGTTTTACTCTTGGTTTCTGCTATTTAAAATAATTAAGTTCTT[G>A]TTTAATAGTTACTTCGATTTTGAAATACCATAGACTTCAAAAGTAGAATCTGGAGCTATG-3'